The following is an entry in ClinVar:

ClinVar aggregate classification (germline): Pathogenic (1 of 4 stars; one submission).

Conditions:
Cardiovascular phenotype. Identifiers: MedGen CN230736.
Hereditary cancer-predisposing syndrome. Also called: Hereditary Cancer Syndrome; Hereditary neoplastic syndrome; Neoplastic Syndromes, Hereditary; Tumor predisposition. Identifiers: Orphanet 140162, MedGen C0027672, MeSH D009386, MONDO:0015356.

Submission:

Ambry Genetics
Classification: Pathogenic for Cardiovascular phenotype; Hereditary cancer-predisposing syndrome. Last evaluated: 2020-06-18. Review status: criteria provided, single submitter. Criteria: Ambry Variant Classification Scheme 2023. Collection method: clinical testing. Allele origin: germline.
Comment: The c.935delG pathogenic mutation, located in coding exon 9 of the NF1 gene, results from a deletion of one nucleotide at nucleotide position 935, causing a translational frameshift with a predicted alternate stop codon (p.G312Efs*5). This alteration is expected to result in loss of function by premature protein truncation or nonsense-mediated mRNA decay. As such, this alteration is interpreted as a disease-causing mutation.

NM_001042492.3(NF1):c.935del (p.Gly312fs)

Gene: NF1 (neurofibromin 1; plus strand). Cytogenetic location: 17q11.2.
Variant type: Deletion.
Coding change: c.935del on transcript NM_001042492.3 (MANE Select); coding-DNA position 935, one base deleted (G; older notation c.935delG).
Protein change: p.Gly312fs; shifts the reading frame from glycine 312.
Molecular consequence: frameshift variant.
Genome position (GRCh38, 1-based): chr17:31,200,468, G deleted; the last of 2 consecutive G bases (chr17:31,200,467-31,200,468); deleting either gives the same sequence. VCF-style (leftmost placement, unchanged base first): chr17-31200466-AG-A. GRCh37 (hg19) VCF-style: chr17-29527484-AG-A.
Other names: c.935delG (NM_000267.3); c.935delG, p.Gly312Glufs (NM_000267.4); c.935del, p.Gly312fs (NM_001128147.3); short protein forms G312fs.
Identifiers: ClinVar variation 1766676 (VCV001766676.2), dbSNP rs2544793602, ClinGen allele CA645571209.
Genomic context (GRCh38, chr17:31,200,466, plus strand): 5'-TATTTGAATTCTGTAGAAGTTATTTCTGGACAGTCTACGAAAAGCTCTTGCTGGCCATGG[AG>A]GAAGTAGGCAGCTGACAGAAAGTGCTGCAATTGCCTGTGTCAAACTGTGTAAAGCAAGTA-3'